The following is an entry in ClinVar:

NM_020693.4(DSCAML1):c.1332C>T (p.Asp444=)

Gene: DSCAML1 (DS cell adhesion molecule like 1; minus strand). Cytogenetic location: 11q23.3.
Variant type: single nucleotide variant.
Coding change: c.1332C>T on transcript NM_020693.4 (MANE Select); coding-DNA position 1332, C replaced by T.
Protein change: p.Asp444=; no amino-acid change (aspartic acid 444 retained).
Molecular consequence: synonymous variant.
Genome position (GRCh38, 1-based): chr11:117,518,644, G>A on the plus strand (C>T on the coding strand, the complement: DSCAML1 is on the minus strand). VCF-style: chr11-117518644-G-A. GRCh37 (hg19) VCF-style: chr11-117389359-G-A.
Other names: c.1512C>T (NM_020693.3); c.1332C>T, p.Asp444= (NM_001367904.1); c.924C>T, p.Asp308= (NM_001367905.1).
Identifiers: ClinVar variation 2182292 (VCV002182292.6), dbSNP rs202043735, ClinGen allele CA6297293.

ClinVar aggregate classification (germline): Likely benign. Review status: criteria provided, single submitter (1 of 4 stars). 2 submissions from 2 submitters: Likely benign (1). 1 of the submissions does not count toward it. Last evaluated 2026-01-26.

Conditions:
DSCAML1-related disorder. Also called: DSCAML1-related condition.

Allele frequency attached by ClinVar (database versions not stated): ExAC 0.00013; 1000 Genomes Project 30x 0.00031; ESP Exome Variant Server 0.00031; gnomAD 0.00031; TOPMed 0.00031; 1000 Genomes Project 0.00040.
gnomAD v4.1: 136 of 1,613,416 alleles (0.0084%); highest among the groups gnomAD compares: African/African-American, 0.11%; 1 homozygote.

Submissions (2):

Labcorp Genetics (formerly Invitae), Labcorp
Classification: Likely benign. Last evaluated: 2026-01-26. Review status: criteria provided, single submitter. Criteria: Invitae Variant Classification Sherloc (09022015). Collection method: clinical testing. Allele origin: germline.

PreventionGenetics, part of Exact Sciences
Classification: Likely benign for DSCAML1-related condition. Last evaluated: 2019-09-17. Review status: no assertion criteria provided. Collection method: clinical testing. Allele origin: germline. Not counted in ClinVar's aggregate classification.
Comment: This variant is classified as likely benign based on ACMG/AMP sequence variant interpretation guidelines (Richards et al. 2015 PMID: 25741868, with internal and published modifications).